The following is an entry in ClinVar:

NM_007186.6(CEP250):c.2848C>T (p.Arg950Ter)

Gene: CEP250 (centrosomal protein 250; plus strand). Cytogenetic location: 20q11.22.
Variant type: single nucleotide variant.
Coding change: c.2848C>T on transcript NM_007186.6 (MANE Select); coding-DNA position 2848, C replaced by T.
Protein change: p.Arg950Ter; replaces arginine 950 with a stop codon.
Molecular consequence: nonsense.
Genome position (GRCh38, 1-based): chr20:35,491,305, C>T. VCF-style: chr20-35491305-C-T. GRCh37 (hg19) VCF-style: chr20-34079131-C-T.
Other names: c.952C>T, p.Arg318Ter (NM_001318219.1); short protein forms R950*, R318*.
Identifiers: ClinVar variation 1458267 (VCV001458267.7), dbSNP rs1388902455, ClinGen allele CA408740129.
Genomic context (GRCh38, chr20:35,491,305, plus strand): 5'-CTCCTGGAGACACTGCTGCAGACGCAGAAGGAGCTAGCAGATGCCAGCCAACAACTGGAA[C>T]GACTGAGGCAGGACATGAAAGTCCAGAAATTAAAGGAGCAGGTATGGAGGGTGGTCTCGG-3'

ClinVar aggregate classification (germline): Pathogenic. Review status: criteria provided, single submitter (1 of 4 stars). 2 submissions from 2 submitters: Pathogenic (1). 1 of the submissions does not count toward it. Last evaluated 2023-02-13.

Conditions:
Retinal dystrophy. Also called: Inherited retinal dystrophy. Identifiers: Orphanet 71862, MedGen C0854723, MeSH D058499, MONDO:0019118, HP:0000556.

Allele frequency attached by ClinVar (database versions not stated): gnomAD exomes below 0.00001; TOPMed 0.00002.
gnomAD v4.1: 2 of 1,602,248 alleles (0.00012%); highest among the groups gnomAD compares: East Asian, 0.0023%; no homozygotes.

Submissions (2):

Labcorp Genetics (formerly Invitae), Labcorp
Classification: Pathogenic. Last evaluated: 2023-02-13. Review status: criteria provided, single submitter. Criteria: Invitae Variant Classification Sherloc (09022015). Collection method: clinical testing. Allele origin: germline.
Comment: This sequence change creates a premature translational stop signal (p.Arg950*) in the CEP250 gene. It is expected to result in an absent or disrupted protein product. Loss-of-function variants in CEP250 are known to be pathogenic (PMID: 24780881, 29718797). This variant is not present in population databases (gnomAD no frequency). This variant has not been reported in the literature in individuals affected with CEP250-related conditions. ClinVar contains an entry for this variant (Variation ID: 1458267). For these reasons, this variant has been classified as Pathogenic.

Institute of Human Genetics, Univ. Regensburg, Univ. Regensburg
Classification: Pathogenic for Retinal dystrophy. Last evaluated: 2020-01-01. Review status: no assertion criteria provided. Criteria: ACMG Guidelines, 2015. Collection method: clinical testing. Allele origin: germline. Affected: yes. Not counted in ClinVar's aggregate classification.

Literature cited by the submitters: PubMed 24780881 (cited by Labcorp Genetics (formerly Invitae), Labcorp); PubMed 29718797 (cited by Labcorp Genetics (formerly Invitae), Labcorp).